The following is an entry in ClinVar:

ClinVar aggregate classification (germline): Uncertain significance (1 of 4 stars; one submission).

gnomAD v4.1: 1 of 1,603,114 alleles (0.000062%); highest among the groups gnomAD compares: Non-Finnish European, 0.000085%; no homozygotes.

Submission:

GeneDx
Classification: Uncertain significance. Last evaluated: 2022-05-12. Review status: criteria provided, single submitter. Criteria: GeneDx Variant Classification Process June 2021. Collection method: clinical testing. Allele origin: germline. Affected: yes.
Comment: Not observed at significant frequency in large population cohorts (gnomAD); In silico analysis supports that this missense variant has a deleterious effect on protein structure/function; Has not been previously published as pathogenic or benign to our knowledge; Variants in candidate genes are classified as variants of uncertain significance in accordance with ACMG guidelines (Richards et al., 2015)

NM_012401.4(PLXNB2):c.4855G>A (p.Glu1619Lys)

Gene: PLXNB2 (plexin B2; minus strand). Cytogenetic location: 22q13.33.
Variant type: single nucleotide variant.
Coding change: c.4855G>A on transcript NM_012401.4 (MANE Select); coding-DNA position 4855, G replaced by A.
Protein change: p.Glu1619Lys; replaces glutamic acid 1619 with lysine.
Molecular consequence: missense variant.
Genome position (GRCh38, 1-based): chr22:50,278,149, C>T on the plus strand (G>A on the coding strand, the complement: PLXNB2 is on the minus strand). VCF-style: chr22-50278149-C-T. GRCh37 (hg19) VCF-style: chr22-50716578-C-T.
Other names: c.5092G>A, p.Glu1698Lys (NM_001376864.1); c.4924G>A, p.Glu1642Lys (NM_001376865.1); c.4855G>A, p.Glu1619Lys (NM_001376866.1, NM_001376867.1, NM_001376868.1 and 14 more transcripts); c.4831G>A, p.Glu1611Lys (NM_001376883.1); c.4777G>A, p.Glu1593Lys (NM_001376884.1, NM_001376885.1); c.4762G>A, p.Glu1588Lys (NM_001376886.1); short protein forms E1588K, E1593K, E1611K, E1619K, E1642K, E1698K.
Identifiers: ClinVar variation 4278606 (VCV004278606.1).